The following is an entry in ClinVar:

ClinVar aggregate classification (germline): Uncertain significance. Review status: criteria provided, multiple submitters, no conflicts (2 of 4 stars). 3 submissions from 3 submitters: Uncertain significance (3). Last evaluated 2025-05-30.

Allele frequency attached by ClinVar (database versions not stated): gnomAD exomes below 0.00001; TOPMed below 0.00001.
gnomAD v4.1: 1 of 1,611,692 alleles (0.000062%); highest among the groups gnomAD compares: African/African-American, 0.0013%; no homozygotes.

Submissions (3):

GeneDx
Classification: Uncertain significance. Last evaluated: 2025-05-30. Review status: criteria provided, single submitter. Criteria: GeneDx Variant Classification Process June 2021. Collection method: clinical testing. Allele origin: germline. Affected: yes.
Comment: Not observed at significant frequency in large population cohorts (gnomAD); In silico analysis supports that this missense variant has a deleterious effect on protein structure/function; Has not been previously published as pathogenic or benign to our knowledge

Blueprint Genetics
Classification: Uncertain significance. Last evaluated: 2022-10-28. Review status: criteria provided, single submitter. Criteria: ACMG Guidelines, 2015. Collection method: clinical testing. Allele origin: germline.

Labcorp Genetics (formerly Invitae), Labcorp
Classification: Uncertain significance. Last evaluated: 2022-02-01. Review status: criteria provided, single submitter. Criteria: Invitae Variant Classification Sherloc (09022015). Collection method: clinical testing. Allele origin: germline.
Comment: In summary, the available evidence is currently insufficient to determine the role of this variant in disease. Therefore, it has been classified as a Variant of Uncertain Significance. Algorithms developed to predict the effect of missense changes on protein structure and function are either unavailable or do not agree on the potential impact of this missense change (SIFT: "Deleterious"; PolyPhen-2: "Benign"; Align-GVGD: "Class C0"). This variant has not been reported in the literature in individuals affected with PDE6B-related conditions. This variant is not present in population databases (gnomAD no frequency). This sequence change replaces histidine, which is basic and polar, with tyrosine, which is neutral and polar, at codon 629 of the PDE6B protein (p.His629Tyr).

NM_000283.4(PDE6B):c.1885C>T (p.His629Tyr)

Gene: PDE6B (phosphodiesterase 6B; plus strand). Cytogenetic location: 4p16.3.
Variant type: single nucleotide variant.
Coding change: c.1885C>T on transcript NM_000283.4 (MANE Select); coding-DNA position 1885, C replaced by T.
Protein change: p.His629Tyr; replaces histidine 629 with tyrosine.
Molecular consequence: missense variant.
Genome position (GRCh38, 1-based): chr4:663,152, C>T. VCF-style: chr4-663152-C-T. GRCh37 (hg19) VCF-style: chr4-656941-C-T.
Other names: c.1885C>T (NM_000283.3); c.1885C>T, p.His629Tyr (NM_001145291.2); c.1048C>T, p.His350Tyr (NM_001145292.2, NM_001350154.3, NM_001379246.1 and 1 more transcripts); c.730C>T, p.His244Tyr (NM_001350155.3); short protein forms H244Y, H350Y, H629Y.
Identifiers: ClinVar variation 2091382 (VCV002091382.6), dbSNP rs1427162687, ClinGen allele CA355917880.